The following is an entry in ClinVar:

ClinVar aggregate classification (germline): Uncertain significance (1 of 4 stars; one submission).

Allele frequency attached by ClinVar (database versions not stated): gnomAD exomes below 0.00001.
gnomAD v4.1: 2 of 1,614,094 alleles (0.00012%); highest among the groups gnomAD compares: East Asian, 0.0022%; no homozygotes.

Submission:

Labcorp Genetics (formerly Invitae), Labcorp
Classification: Uncertain significance. Last evaluated: 2022-07-13. Review status: criteria provided, single submitter. Criteria: Invitae Variant Classification Sherloc (09022015). Collection method: clinical testing. Allele origin: germline.
Comment: In summary, the available evidence is currently insufficient to determine the role of this variant in disease. Therefore, it has been classified as a Variant of Uncertain Significance. Algorithms developed to predict the effect of missense changes on protein structure and function (SIFT, PolyPhen-2, Align-GVGD) all suggest that this variant is likely to be tolerated. This sequence change replaces threonine, which is neutral and polar, with alanine, which is neutral and non-polar, at codon 1772 of the CACNA1D protein (p.Thr1772Ala). This variant is not present in population databases (gnomAD no frequency). This variant has not been reported in the literature in individuals affected with CACNA1D-related conditions.

NM_001128840.3(CACNA1D):c.5254A>G (p.Thr1752Ala)

Gene: CACNA1D (calcium voltage-gated channel subunit alpha1 D; plus strand). Cytogenetic location: 3p21.1.
Variant type: single nucleotide variant.
Coding change: c.5254A>G on transcript NM_001128840.3 (MANE Select); coding-DNA position 5254, A replaced by G.
Protein change: p.Thr1752Ala; replaces threonine 1752 with alanine.
Molecular consequence: missense variant.
Genome position (GRCh38, 1-based): chr3:53,801,271, A>G. VCF-style: chr3-53801271-A-G. GRCh37 (hg19) VCF-style: chr3-53835298-A-G.
Other names: c.5314A>G, p.Thr1772Ala (NM_000720.4); c.5209A>G, p.Thr1737Ala (NM_001128839.3); short protein forms T1772A, T1752A, T1737A.
Identifiers: ClinVar variation 2016779 (VCV002016779.4), dbSNP rs2474469212, ClinGen allele CA353250805.